The following is an entry in ClinVar:

NM_024675.4(PALB2):c.463T>C (p.Phe155Leu)

Gene: PALB2 (partner and localizer of BRCA2; minus strand). Cytogenetic location: 16p12.2.
Variant type: single nucleotide variant.
Coding change: c.463T>C on transcript NM_024675.4 (MANE Select); coding-DNA position 463, T replaced by C.
Protein change: p.Phe155Leu; replaces phenylalanine 155 with leucine.
Molecular consequence: missense variant. On other transcripts: 5 prime UTR variant (8), intron variant (3).
Genome position (GRCh38, 1-based): chr16:23,636,083, A>G on the plus strand (T>C on the coding strand, the complement: PALB2 is on the minus strand). VCF-style: chr16-23636083-A-G. GRCh37 (hg19) VCF-style: chr16-23647404-A-G.
Other names: c.-423T>C (NM_001407311.1, NM_001407304.1, NM_001407305.1 and 5 more transcripts); c.48+5027T>C (NM_001407314.1); c.-105+5027T>C (NM_001407313.1, NM_001407312.1); c.403T>C, p.Phe135Leu (NM_001407296.1); c.463T>C, p.Phe155Leu (NM_001407297.1, NM_001407298.1, NM_001407299.1 and 3 more transcripts); short protein forms F155L, F135L.
Identifiers: ClinVar variation 3666370 (VCV003666370.2).

ClinVar aggregate classification (germline): Uncertain significance (1 of 4 stars; one submission).

Conditions:
Familial cancer of breast. Also called: hereditary breast carcinoma; Hereditary breast cancer; BREAST CANCER, FAMILIAL. Identifiers: Orphanet 227535, MedGen C0346153, MONDO:0016419, OMIM 114480. Disease mechanism: loss of function.

Submission:

Labcorp Genetics (formerly Invitae), Labcorp
Classification: Uncertain significance for Familial cancer of breast. Last evaluated: 2024-09-08. Review status: criteria provided, single submitter. Criteria: Invitae Variant Classification Sherloc (09022015). Collection method: clinical testing. Allele origin: germline.
Comment: This sequence change replaces phenylalanine, which is neutral and non-polar, with leucine, which is neutral and non-polar, at codon 155 of the PALB2 protein (p.Phe155Leu). This variant is not present in population databases (gnomAD no frequency). This variant has not been reported in the literature in individuals affected with PALB2-related conditions. An algorithm developed to predict the effect of missense changes on protein structure and function outputs the following: PolyPhen-2: "Benign". The leucine amino acid residue is found in multiple mammalian species, which suggests that this missense change does not adversely affect protein function. In summary, the available evidence is currently insufficient to determine the role of this variant in disease. Therefore, it has been classified as a Variant of Uncertain Significance.